The following is an entry in ClinVar:

ClinVar aggregate classification (germline): Benign. Review status: reviewed by expert panel (3 of 4 stars). 11 submissions from 11 submitters: Benign (1). 10 of the submissions do not count toward it. Last evaluated 2017-05-09.

Conditions:
Cardiovascular phenotype. Identifiers: MedGen CN230736.
Cardiofaciocutaneous syndrome 4 (CFC4). Also called: MAP2K2-Related Cardiofaciocutaneous Syndrome. Identifiers: Orphanet 1340, MedGen C3809007, MONDO:0014114, OMIM 615280.
RASopathy. Also called: rasopathies; Noonan spectrum disorder. Identifiers: Orphanet 536391, MedGen C5555857, MONDO:0021060.
Noonan syndrome (NS). Also called: Noonan's syndrome. Identifiers: Orphanet 648, MedGen C0028326, MeSH D009634, MONDO:0018997. Disease mechanism: gain of function.

Allele frequency attached by ClinVar (database versions not stated): TOPMed 0.00262; 1000 Genomes Project 30x 0.00078; 1000 Genomes Project 0.00080; ExAC 0.00125; ESP Exome Variant Server 0.00172; gnomAD 0.00205 and 0.00222.
gnomAD v4.1: 595 of 1,555,980 alleles (0.038%); highest among the groups gnomAD compares: African/African-American, 0.75%; 4 homozygotes.

Submissions (11):

ClinGen RASopathy Variant Curation Expert Panel
Classification: Benign for Noonan syndrome and Noonan-related syndrome. Last evaluated: 2017-05-09. Review status: reviewed by expert panel. Criteria: ClinGen RASopathy ACMG Specifications v1. Collection method: curation. Allele origin: germline. Inheritance: Autosomal dominant inheritance.
Comment: The filtering allele frequency of the c.1162C>T (p.Arg388Trp) variant in the MAP2K2 gene is 0.125% for African chromosomes by the Exome Aggregation Consortium (25/2788 with 95% CI), which is a high enough frequency to be classified as benign based on thresholds defined by the ClinGen RASopathy Expert panel for autosomal dominant RASopathy variants (BA1). Additional case-level data available: SCV000204180.4; SCV000252871.4.

Labcorp Genetics (formerly Invitae), Labcorp
Classification: Benign for RASopathy. Last evaluated: 2026-01-27. Review status: criteria provided, single submitter. Criteria: Invitae Variant Classification Sherloc (09022015). Collection method: clinical testing. Allele origin: germline. Not counted in ClinVar's aggregate classification.

Blueprint Genetics
Classification: Likely benign. Last evaluated: 2024-10-03. Review status: criteria provided, single submitter. Criteria: ACMG Guidelines, 2015. Collection method: clinical testing. Allele origin: germline. Not counted in ClinVar's aggregate classification.

Mayo Clinic Laboratories, Mayo Clinic
Classification: Benign. Last evaluated: 2022-06-30. Review status: criteria provided, single submitter. Criteria: ACMG Guidelines, 2015. Collection method: clinical testing. Allele origin: germline. Observed: 4 variant alleles. Not counted in ClinVar's aggregate classification.
Comment: BA1

Fulgent Genetics
Classification: Likely benign for Cardiofaciocutaneous syndrome 4. Last evaluated: 2021-09-02. Review status: criteria provided, single submitter. Criteria: ACMG Guidelines, 2015. Collection method: clinical testing. Allele origin: unknown. Not counted in ClinVar's aggregate classification.

Ambry Genetics
Classification: Benign for Cardiovascular phenotype. Last evaluated: 2021-05-21. Review status: criteria provided, single submitter. Criteria: Ambry Variant Classification Scheme 2023. Collection method: clinical testing. Allele origin: germline. Not counted in ClinVar's aggregate classification.

Baylor Genetics
Classification: Uncertain significance for Cardiofaciocutaneous syndrome 4. Last evaluated: 2018-08-31. Review status: criteria provided, single submitter. Criteria: ACMG Guidelines, 2015. Collection method: clinical testing. Allele origin: maternal. Affected: yes. Not counted in ClinVar's aggregate classification.
Comment: This variant was determined to be of uncertain significance according to ACMG Guidelines, 2015 [PMID:25741868].

GeneDx
Classification: Benign. Last evaluated: 2016-06-03. Review status: criteria provided, single submitter. Criteria: GeneDx Variant Classification (06012015). Collection method: clinical testing. Allele origin: germline. Affected: yes. Not counted in ClinVar's aggregate classification.
Comment: This variant is considered likely benign or benign based on one or more of the following criteria: it is a conservative change, it occurs at a poorly conserved position in the protein, it is predicted to be benign by multiple in silico algorithms, and/or has population frequency not consistent with disease.

Eurofins Ntd Llc (ga)
Classification: Benign. Last evaluated: 2015-12-08. Review status: criteria provided, single submitter. Criteria: EGL Classification Definitions 2015. Collection method: clinical testing. Allele origin: germline. Observed: 1 variant allele, 1 heterozygote. Not counted in ClinVar's aggregate classification.

Laboratory for Molecular Medicine, Mass General Brigham Personalized Medicine
Classification: Likely benign. Last evaluated: 2015-06-26. Review status: criteria provided, single submitter. Criteria: LMM Criteria. Collection method: clinical testing. Allele origin: germline. Observed: 8 variant alleles. Not counted in ClinVar's aggregate classification.
Comment: p.Arg388Trp in exon 11 of MAP2K2: This variant is not expected to have clinical significance because it has been identified in 0.9% (25/2788) of African chromos omes by the Exome Aggregation Consortium (ExAC; dbSNP rs144383241).

Service de Génétique Moléculaire, Hôpital Robert Debré
Classification: Uncertain significance for Noonan syndrome. Review status: no assertion criteria provided. Collection method: clinical testing. Allele origin: unknown. Affected: yes. Not counted in ClinVar's aggregate classification.

NM_030662.4(MAP2K2):c.1162C>T (p.Arg388Trp)

Gene: MAP2K2 (mitogen-activated protein kinase kinase 2; minus strand). Cytogenetic location: 19p13.3.
Variant type: single nucleotide variant.
Coding change: c.1162C>T on transcript NM_030662.4 (MANE Select); coding-DNA position 1162, C replaced by T.
Protein change: p.Arg388Trp; replaces arginine 388 with tryptophan.
Molecular consequence: missense variant.
Genome position (GRCh38, 1-based): chr19:4,090,639, G>A on the plus strand (C>T on the coding strand, the complement: MAP2K2 is on the minus strand). VCF-style: chr19-4090639-G-A. GRCh37 (hg19) VCF-style: chr19-4090637-G-A.
Other names: NM_030662.3(MAP2K2):c.1162C>T; short protein forms R388W.
Identifiers: ClinVar variation 40843 (VCV000040843.27), dbSNP rs144383241, ClinGen allele CA180895.
Genomic context (GRCh38, chr19:4,090,639, plus strand): 5'-GCAGGGAGCCCGGCCACTGTCACACGGCGGTGCGCGTGGGTGTGCCGGGCTGGTTCAGCC[G>A]CAGGGTTTTACACAACCAGCCGGCAAAATCCACTTCTTCCACCTCGGACCGCTTGATGAA-3'
Protein context (NP_109587.1, residues 378-398): DFAGWLCKTL[Arg388Trp]LNQPGTPTRT